The following is an entry in ClinVar:

NM_001378969.1(KCND3):c.1269+270C>T

Gene: KCND3 (potassium voltage-gated channel subfamily D member 3; minus strand). Cytogenetic location: 1p13.2.
Variant type: single nucleotide variant.
Coding change: c.1269+270C>T on transcript NM_001378969.1 (MANE Select); 270 bases into the intron after coding-DNA position 1269, C replaced by T.
Molecular consequence: intron variant.
Genome position (GRCh38, 1-based): chr1:111,786,674, G>A on the plus strand (C>T on the coding strand, the complement: KCND3 is on the minus strand). VCF-style: chr1-111786674-G-A. GRCh37 (hg19) VCF-style: chr1-112329296-G-A.
Other names: c.1269+270C>T (NM_001378970.1, NM_172198.3, NM_004980.5).
Identifiers: ClinVar variation 683889 (VCV000683889.1), dbSNP rs12138082, ClinGen allele CA28904957.
Genomic context (GRCh38, chr1:111,786,674, plus strand): 5'-AGCTCTTGGCTGGGAGAGGGAGGAGTGCGGGGATGGCTGAGTGGCAGTGGCTGAGGGAGT[G>A]GAGGTGGAGCCAGGAGCCAAGGAAATTGCCAAAAAATGTCCAAAGGGGGATAATCAGCTT-3'

ClinVar aggregate classification (germline): Benign (1 of 4 stars; one submission).

Allele frequency attached by ClinVar (database versions not stated): 1000 Genomes Project 0.02316; 1000 Genomes Project 30x 0.02389; gnomAD 0.04500 and 0.04678; TOPMed 0.04644.
gnomAD v4.1: 6,954 of 152,282 alleles (4.6%); highest among the groups gnomAD compares: Admixed American, 7.3%; 206 homozygotes.

Submission:

GeneDx
Classification: Benign. Last evaluated: 2018-06-14. Review status: criteria provided, single submitter. Criteria: GeneDx Variant Classification (06012015). Collection method: clinical testing. Allele origin: germline. Affected: yes.
Comment: This variant is considered likely benign or benign based on one or more of the following criteria: it is a conservative change, it occurs at a poorly conserved position in the protein, it is predicted to be benign by multiple in silico algorithms, and/or has population frequency not consistent with disease.